The following is an entry in ClinVar:

ClinVar aggregate classification (germline): Uncertain significance (1 of 4 stars; one submission).

Conditions:
Familial thoracic aortic aneurysm and aortic dissection (TAAD). Also called: Thoracic aortic aneurysms and dissections. Identifiers: Orphanet 91387, MedGen C4707243, MONDO:0019625.
Hereditary cancer-predisposing syndrome. Also called: Tumor predisposition; Neoplastic Syndromes, Hereditary; Hereditary neoplastic syndrome; Hereditary Cancer Syndrome. Identifiers: Orphanet 140162, MedGen C0027672, MeSH D009386, MONDO:0015356.

Submission:

Ambry Genetics
Classification: Uncertain significance for Hereditary cancer-predisposing syndrome; Familial thoracic aortic aneurysm and aortic dissection. Last evaluated: 2024-09-27. Review status: criteria provided, single submitter. Criteria: Ambry Variant Classification Scheme 2023. Collection method: clinical testing. Allele origin: germline.
Comment: The p.K50R variant (also known as c.149A>G), located in coding exon 1 of the SMAD4 gene, results from an A to G substitution at nucleotide position 149. The lysine at codon 50 is replaced by arginine, an amino acid with highly similar properties. This amino acid position is highly conserved in available vertebrate species. In addition, the in silico prediction for this alteration is inconclusive. Based on the available evidence, the clinical significance of this variant remains unclear.

NM_005359.6(SMAD4):c.149A>G (p.Lys50Arg)

Gene: SMAD4 (SMAD family member 4; plus strand). Cytogenetic location: 18q21.2.
Variant type: single nucleotide variant.
Coding change: c.149A>G on transcript NM_005359.6 (MANE Select); coding-DNA position 149, A replaced by G.
Protein change: p.Lys50Arg; replaces lysine 50 with arginine.
Molecular consequence: missense variant. On other transcripts: non-coding transcript variant (2).
Genome position (GRCh38, 1-based): chr18:51,047,195, A>G. VCF-style: chr18-51047195-A-G. GRCh37 (hg19) VCF-style: chr18-48573565-A-G.
Other names: c.149A>G, p.Lys50Arg (NM_001407041.1, NM_001407042.1, NM_001407043.1); short protein forms K50R.
Identifiers: ClinVar variation 3445856 (VCV003445856.1).
Genomic context (GRCh38, chr18:51,047,195, plus strand): 5'-GAGAGAGTGAAACATTTGCAAAAAGAGCAATTGAAAGTTTGGTAAAGAAGCTGAAGGAGA[A>G]AAAAGATGAATTGGATTCTTTAATAACAGCTATAACTACAAATGGAGCTCATCCTAGTAA-3'
Protein context (NP_005350.1, residues 40-60): IESLVKKLKE[Lys50Arg]KDELDSLITA